The following is an entry in ClinVar:

NM_001042492.3(NF1):c.5362A>G (p.Ile1788Val)

Gene: NF1 (neurofibromin 1; plus strand). Cytogenetic location: 17q11.2.
Variant type: single nucleotide variant.
Coding change: c.5362A>G on transcript NM_001042492.3 (MANE Select); coding-DNA position 5362, A replaced by G.
Protein change: p.Ile1788Val; replaces isoleucine 1788 with valine.
Molecular consequence: missense variant.
Genome position (GRCh38, 1-based): chr17:31,327,592, A>G. VCF-style: chr17-31327592-A-G. GRCh37 (hg19) VCF-style: chr17-29654610-A-G.
Other names: c.5299A>G, p.Ile1767Val (NM_000267.4); short protein forms I1788V, I1767V.
Identifiers: ClinVar variation 947659 (VCV000947659.8), dbSNP rs2069378035, ClinGen allele CA399009266.
Genomic context (GRCh38, chr17:31,327,592, plus strand): 5'-GAGCGAACAAAAGTCCTAGGGCAATCAGTCTTTCTAAATGACATTTATTATGCTTCGGAA[A>G]TTGAAGAAATCTGCCTAGTAGATGAGAACCAGTTCACCTTAACCATTGCAAACCAGGGCA-3'
Protein context (NP_001035957.1, residues 1778-1798): FLNDIYYASE[Ile1788Val]EEICLVDENQ

ClinVar aggregate classification (germline): Conflicting classifications of pathogenicity. Review status: criteria provided, conflicting classifications (1 of 4 stars). 3 submissions from 3 submitters: Uncertain significance (2); Likely benign (1). Last evaluated 2025-08-14.

Conditions:
Neurofibromatosis, type 1 (NF1). Also called: Peripheral type neurofibromatosis; Neurofibromatosis, type I; VON RECKLINGHAUSEN DISEASE; NEUROFIBROMATOSIS, TYPE I, SOMATIC. Identifiers: Orphanet 636, MedGen C0027831, MONDO:0018975, OMIM 162200. Disease mechanism: loss of function.
Hereditary cancer-predisposing syndrome. Also called: Neoplastic Syndromes, Hereditary; Hereditary neoplastic syndrome; Hereditary Cancer Syndrome; Tumor predisposition. Identifiers: Orphanet 140162, MedGen C0027672, MeSH D009386, MONDO:0015356.
Cardiovascular phenotype. Identifiers: MedGen CN230736.

Allele frequency attached by ClinVar (database versions not stated): gnomAD exomes below 0.00001.
gnomAD v4.1: 1 of 1,614,208 alleles (0.000062%); no homozygotes.

Submissions (3):

Labcorp Genetics (formerly Invitae), Labcorp
Classification: Likely benign for Neurofibromatosis, type 1. Last evaluated: 2025-08-14. Review status: criteria provided, single submitter. Criteria: Invitae Variant Classification Sherloc (09022015). Collection method: clinical testing. Allele origin: germline.

GeneDx
Classification: Uncertain significance. Last evaluated: 2025-03-19. Review status: criteria provided, single submitter. Criteria: GeneDx Variant Classification Process June 2021. Collection method: clinical testing. Allele origin: germline. Affected: yes.
Comment: Not observed at significant frequency in large population cohorts (gnomAD); In silico analysis indicates that this missense variant does not alter protein structure/function; Has not been previously published as pathogenic or benign to our knowledge

Ambry Genetics
Classification: Uncertain significance for Cardiovascular phenotype; Hereditary cancer-predisposing syndrome. Last evaluated: 2024-02-06. Review status: criteria provided, single submitter. Criteria: Ambry Variant Classification Scheme 2023. Collection method: clinical testing. Allele origin: germline.
Comment: The p.I1767V variant (also known as c.5299A>G), located in coding exon 37 of the NF1 gene, results from an A to G substitution at nucleotide position 5299. The isoleucine at codon 1767 is replaced by valine, an amino acid with highly similar properties. This amino acid position is conserved. In addition, the in silico prediction for this alteration is inconclusive. Based on the available evidence, the clinical significance of this alteration remains unclear.